The following is an entry in ClinVar:

NM_004813.4(PEX16):c.442A>T (p.Thr148Ser)

Gene: PEX16 (peroxisomal biogenesis factor 16; minus strand). Cytogenetic location: 11p11.2.
Variant type: single nucleotide variant.
Coding change: c.442A>T on transcript NM_004813.4 (MANE Select); coding-DNA position 442, A replaced by T.
Protein change: p.Thr148Ser; replaces threonine 148 with serine.
Molecular consequence: missense variant.
Genome position (GRCh38, 1-based): chr11:45,915,486, T>A on the plus strand (A>T on the coding strand, the complement: PEX16 is on the minus strand). VCF-style: chr11-45915486-T-A. GRCh37 (hg19) VCF-style: chr11-45937037-T-A.
Other names: c.442A>T, p.Thr148Ser (NM_057174.3); short protein forms T148S.
Identifiers: ClinVar variation 2072419 (VCV002072419.4), dbSNP rs2494902951, ClinGen allele CA380228232.

ClinVar aggregate classification (germline): Uncertain significance (1 of 4 stars; one submission).

Conditions:
Peroxisome biogenesis disorder. Identifiers: Orphanet 79189, MedGen C1832200, MONDO:0019234. Disease mechanism: loss of function.

Submission:

Labcorp Genetics (formerly Invitae), Labcorp
Classification: Uncertain significance for Peroxisome biogenesis disorder. Last evaluated: 2022-06-04. Review status: criteria provided, single submitter. Criteria: Invitae Variant Classification Sherloc (09022015). Collection method: clinical testing. Allele origin: germline.
Comment: This sequence change replaces threonine, which is neutral and polar, with serine, which is neutral and polar, at codon 148 of the PEX16 protein (p.Thr148Ser). This variant is not present in population databases (gnomAD no frequency). This variant has not been reported in the literature in individuals affected with PEX16-related conditions. Algorithms developed to predict the effect of missense changes on protein structure and function (SIFT, PolyPhen-2, Align-GVGD) all suggest that this variant is likely to be tolerated. In summary, the available evidence is currently insufficient to determine the role of this variant in disease. Therefore, it has been classified as a Variant of Uncertain Significance.